The following is an entry in ClinVar:

NM_015631.6(TCTN3):c.1766C>G (p.Ser589Cys)

Gene: TCTN3 (tectonic family member 3; minus strand). Cytogenetic location: 10q24.1.
Variant type: single nucleotide variant.
Coding change: c.1766C>G on transcript NM_015631.6 (MANE Select); coding-DNA position 1766, C replaced by G.
Protein change: p.Ser589Cys; replaces serine 589 with cysteine.
Molecular consequence: missense variant.
Genome position (GRCh38, 1-based): chr10:95,664,125, G>C on the plus strand (C>G on the coding strand, the complement: TCTN3 is on the minus strand). VCF-style: chr10-95664125-G-C. GRCh37 (hg19) VCF-style: chr10-97423882-G-C.
Other names: c.1322C>G, p.Ser441Cys (NM_001143973.2); c.1766C>G (NM_015631.5); short protein forms S441C, S589C.
Identifiers: ClinVar variation 1448693 (VCV001448693.4), dbSNP rs927310199, ClinGen allele CA211792966.
Genomic context (GRCh38, chr10:95,664,125, plus strand): 5'-CTTCACATAGTCTCTAGGTTGAGAACTCCAAGTAGTAAGAGGCACAGGATAAGGATGGGA[G>C]AGACTGAGCATTTTTGAGAGAATACTCCTCTGCTGAATGCCACTTTGAAGGGAAAGAAGT-3'
Protein context (NP_056446.4, residues 579-599): RGVFSQKCSV[Ser589Cys]PILILCLLLL

ClinVar aggregate classification (germline): Uncertain significance. Review status: criteria provided, multiple submitters, no conflicts (2 of 4 stars). 2 submissions from 2 submitters: Uncertain significance (2). Last evaluated 2024-10-30.

Conditions:
Joubert syndrome 18 (JBTS18). Identifiers: Orphanet 2754, MedGen C3553758, MONDO:0013896, OMIM 614815.
Orofacial-digital syndrome IV (OFD4). Also called: Orofaciodigital syndrome IV; BARAITSER-BURN SYNDROME; MOHR-MAJEWSKI SYNDROME; OFD SYNDROME WITH TIBIAL DEFECTS; OFD SYNDROME, BARAITSER-BURN TYPE; OFDS IV. Identifiers: Orphanet 2753, MedGen C0406727, MONDO:0009794, OMIM 258860.
Inborn genetic diseases. Identifiers: MedGen C0950123, MeSH D030342.

gnomAD v4.1: 1 of 1,614,190 alleles (0.000062%); no homozygotes.

Submissions (2):

Ambry Genetics
Classification: Uncertain significance for Inborn genetic diseases. Last evaluated: 2024-10-30. Review status: criteria provided, single submitter. Criteria: Ambry Variant Classification Scheme 2023. Collection method: clinical testing. Allele origin: germline.

Labcorp Genetics (formerly Invitae), Labcorp
Classification: Uncertain significance for Joubert syndrome 18; Orofacial-digital syndrome IV. Last evaluated: 2022-08-16. Review status: criteria provided, single submitter. Criteria: Invitae Variant Classification Sherloc (09022015). Collection method: clinical testing. Allele origin: germline.
Comment: This sequence change replaces serine, which is neutral and polar, with cysteine, which is neutral and slightly polar, at codon 589 of the TCTN3 protein (p.Ser589Cys). This variant is not present in population databases (gnomAD no frequency). This variant has not been reported in the literature in individuals affected with TCTN3-related conditions. ClinVar contains an entry for this variant (Variation ID: 1448693). Algorithms developed to predict the effect of missense changes on protein structure and function are either unavailable or do not agree on the potential impact of this missense change (SIFT: "Tolerated"; PolyPhen-2: "Probably Damaging"; Align-GVGD: "Class C0"). In summary, the available evidence is currently insufficient to determine the role of this variant in disease. Therefore, it has been classified as a Variant of Uncertain Significance.